The following is an entry in ClinVar:

ClinVar aggregate classification (germline): Uncertain significance. Review status: criteria provided, multiple submitters, no conflicts (2 of 4 stars). 2 submissions from 2 submitters: Uncertain significance (2). Last evaluated 2025-07-31.

Conditions:
Anemia, nonspherocytic hemolytic, due to G6PD deficiency (CNSHA1). Also called: ANEMIA, CONGENITAL, NONSPHEROCYTIC HEMOLYTIC, 1; Hemolytic anemia due to G6PD deficiency; Class I glucose-6-phosphate dehydrogenase deficiency; Favism, susceptibility to. Identifiers: Orphanet 466026, MedGen C2720289, MONDO:0010480, OMIM 300908.

Allele frequency attached by ClinVar (database versions not stated): gnomAD exomes below 0.00001; ExAC 0.00001; gnomAD 0.00001; TOPMed 0.00001.
gnomAD v4.1: 5 of 1,209,844 alleles (0.00041%); highest among the groups gnomAD compares: African/African-American, 0.0087%; no homozygotes.

Submissions (2):

Labcorp Genetics (formerly Invitae), Labcorp
Classification: Uncertain significance for Anemia, nonspherocytic hemolytic, due to G6PD deficiency. Last evaluated: 2025-07-31. Review status: criteria provided, single submitter. Criteria: Invitae Variant Classification Sherloc (09022015). Collection method: clinical testing. Allele origin: germline.
Comment: This sequence change replaces alanine, which is neutral and non-polar, with threonine, which is neutral and polar, at codon 149 of the G6PD protein (p.Ala149Thr). This variant is present in population databases (rs782669677, gnomAD no frequency). This variant has not been reported in the literature in individuals affected with G6PD-related conditions. ClinVar contains an entry for this variant (Variation ID: 1722611). Invitae Evidence Modeling of protein sequence and biophysical properties (such as structural, functional, and spatial information, amino acid conservation, physicochemical variation, residue mobility, and thermodynamic stability) indicates that this missense variant is not expected to disrupt G6PD protein function with a negative predictive value of 80%. In summary, the available evidence is currently insufficient to determine the role of this variant in disease. Therefore, it has been classified as a Variant of Uncertain Significance.

Dunham Lab, University of Washington
Classification: Uncertain significance for Anemia, nonspherocytic hemolytic, due to G6PD deficiency. Last evaluated: 2024-12-05. Review status: criteria provided, single submitter. Criteria: Bayesian ACMG Guidelines, 2018. Collection method: curation. Allele origin: unknown. Affected: no.
Comment: Variant found in hemizygote without G6PD deficiency and the activity in red blood cells is within the normal range (75%) (BS2). Post_P 0.0059 (odds of pathogenicity 0.053, Prior_P 0.1).

Literature cited by the submitters: PubMed 30314477 (cited by Dunham Lab, University of Washington).

NM_001360016.2(G6PD):c.445G>A (p.Ala149Thr)

Gene: G6PD (glucose-6-phosphate dehydrogenase; minus strand). Cytogenetic location: Xq28.
Variant type: single nucleotide variant.
Coding change: c.445G>A on transcript NM_001360016.2 (MANE Select); coding-DNA position 445, G replaced by A.
Protein change: p.Ala149Thr; replaces alanine 149 with threonine.
Molecular consequence: missense variant.
Genome position (GRCh38, 1-based): chrX:154,535,208, C>T on the plus strand (G>A on the coding strand, the complement: G6PD is on the minus strand). VCF-style: chrX-154535208-C-T. GRCh37 (hg19) VCF-style: chrX-153763423-C-T.
Other names: G6PD Jimma; c.535G>A, p.Ala179Thr (NM_000402.4); c.445G>A, p.Ala149Thr (NM_001042351.3); short protein forms A149T, A179T.
Identifiers: ClinVar variation 1722611 (VCV001722611.8), dbSNP rs782669677, ClinGen allele CA10566245.